The following is an entry in ClinVar:

ClinVar aggregate classification (germline): Uncertain significance (1 of 4 stars; one submission).

Conditions:
Early-infantile DEE. Also called: Ohtahara syndrome; Early infantile epileptic encephalopathy; Early infantile epileptic encephalopathy with suppression bursts. Identifiers: Orphanet 1934, MedGen C0393706, MONDO:0800491.

Submission:

Labcorp Genetics (formerly Invitae), Labcorp
Classification: Uncertain significance for Early-infantile DEE. Last evaluated: 2025-04-02. Review status: criteria provided, single submitter. Criteria: Invitae Variant Classification Sherloc (09022015). Collection method: clinical testing. Allele origin: germline.
Comment: This sequence change replaces glycine, which is neutral and non-polar, with alanine, which is neutral and non-polar, at codon 46 of the KCNH5 protein (p.Gly46Ala). This variant is not present in population databases (gnomAD no frequency). This variant has not been reported in the literature in individuals affected with KCNH5-related conditions. ClinVar contains an entry for this variant (Variation ID: 1523611). Invitae Evidence Modeling of protein sequence and biophysical properties (such as structural, functional, and spatial information, amino acid conservation, physicochemical variation, residue mobility, and thermodynamic stability) indicates that this missense variant is not expected to disrupt KCNH5 protein function with a negative predictive value of 80%. In summary, the available evidence is currently insufficient to determine the role of this variant in disease. Therefore, it has been classified as a Variant of Uncertain Significance.

NM_139318.5(KCNH5):c.137G>C (p.Gly46Ala)

Gene: KCNH5 (potassium voltage-gated channel subfamily H member 5; minus strand). Cytogenetic location: 14q23.2.
Variant type: single nucleotide variant.
Coding change: c.137G>C on transcript NM_139318.5 (MANE Select); coding-DNA position 137, G replaced by C.
Protein change: p.Gly46Ala; replaces glycine 46 with alanine.
Molecular consequence: missense variant.
Genome position (GRCh38, 1-based): chr14:63,016,891, C>G on the plus strand (G>C on the coding strand, the complement: KCNH5 is on the minus strand). VCF-style: chr14-63016891-C-G. GRCh37 (hg19) VCF-style: chr14-63483609-C-G.
Other names: c.137G>C, p.Gly46Ala (NM_172375.3); short protein forms G46A.
Identifiers: ClinVar variation 1523611 (VCV001523611.9), dbSNP rs756167787, ClinGen allele CA390106391.